The following is an entry in ClinVar:

ClinVar aggregate classification (germline): Benign/Likely benign. Review status: criteria provided, multiple submitters, no conflicts (2 of 4 stars). 9 submissions from 9 submitters: Benign (4); Likely benign (4). 1 of the submissions does not count toward it. Last evaluated 2026-02-01.

Conditions:
Inborn genetic diseases. Identifiers: MedGen C0950123, MeSH D030342.
SAMD9L-related disorder. Also called: SAMD9L-related disorders; SAMD9L-related condition.

Allele frequency attached by ClinVar (database versions not stated): 1000 Genomes Project 0.00140; 1000 Genomes Project 30x 0.00141; gnomAD exomes 0.00223 and 0.00364; ExAC 0.00240; TOPMed 0.00273; gnomAD 0.00284 and 0.00285; ESP Exome Variant Server 0.00346.
gnomAD v4.1: 5,710 of 1,613,922 alleles (0.35%); highest among the groups gnomAD compares: Non-Finnish European, 0.43%; 18 homozygotes.

Submissions (9):

Labcorp Genetics (formerly Invitae), Labcorp
Classification: Benign. Last evaluated: 2026-02-01. Review status: criteria provided, single submitter. Criteria: Invitae Variant Classification Sherloc (09022015). Collection method: clinical testing. Allele origin: germline.

CeGaT Center for Human Genetics Tuebingen
Classification: Benign. Last evaluated: 2024-12-01. Review status: criteria provided, single submitter. Criteria: CeGaT Center For Human Genetics Tuebingen Variant Classification Criteria Version 2. Collection method: clinical testing. Allele origin: germline. Affected: yes. Observed: 6 variant alleles.
Comment: SAMD9L: BP4, BP7, BS1, BS2

Blueprint Genetics
Classification: Likely benign. Last evaluated: 2024-11-27. Review status: criteria provided, single submitter. Criteria: ACMG Guidelines, 2015. Collection method: clinical testing. Allele origin: germline.

Ambry Genetics
Classification: Likely benign for Inborn genetic diseases. Last evaluated: 2024-10-04. Review status: criteria provided, single submitter. Criteria: Ambry Variant Classification Scheme 2023. Collection method: clinical testing. Allele origin: germline.

GeneDx
Classification: Likely benign. Last evaluated: 2024-04-03. Review status: criteria provided, single submitter. Criteria: GeneDx Variant Classification Process June 2021. Collection method: clinical testing. Allele origin: germline. Affected: yes.
Comment: See Variant Classification Assertion Criteria.

Mayo Clinic Laboratories, Mayo Clinic
Classification: Benign. Last evaluated: 2023-12-26. Review status: criteria provided, single submitter. Criteria: ACMG Guidelines, 2015. Collection method: clinical testing. Allele origin: germline. Observed: 4 variant alleles.
Comment: BS1, BS2, BP4, BP7

ARUP Laboratories, Molecular Genetics and Genomics, ARUP Laboratories
Classification: Likely benign. Last evaluated: 2023-12-06. Review status: criteria provided, single submitter. Criteria: ARUP Molecular Germline Variant Investigation Process 2024. Collection method: clinical testing. Allele origin: germline.

Genetic Services Laboratory, University of Chicago
Classification: Benign. Last evaluated: 2020-06-09. Review status: criteria provided, single submitter. Criteria: ACMG Guidelines, 2015. Collection method: clinical testing. Allele origin: germline. Affected: no.

PreventionGenetics, part of Exact Sciences
Classification: Likely benign for SAMD9L-related condition. Last evaluated: 2019-10-14. Review status: no assertion criteria provided. Collection method: clinical testing. Allele origin: germline. Not counted in ClinVar's aggregate classification.
Comment: This variant is classified as likely benign based on ACMG/AMP sequence variant interpretation guidelines (Richards et al. 2015 PMID: 25741868, with internal and published modifications).

NM_152703.5(SAMD9L):c.3285A>G (p.Lys1095=)

Gene: SAMD9L (sterile alpha motif domain containing 9 like; minus strand). Cytogenetic location: 7q21.2.
Variant type: single nucleotide variant.
Coding change: c.3285A>G on transcript NM_152703.5 (MANE Select); coding-DNA position 3285, A replaced by G.
Protein change: p.Lys1095=; no amino-acid change (lysine 1095 retained).
Molecular consequence: synonymous variant.
Genome position (GRCh38, 1-based): chr7:93,132,687, T>C on the plus strand (A>G on the coding strand, the complement: SAMD9L is on the minus strand). VCF-style: chr7-93132687-T-C. GRCh37 (hg19) VCF-style: chr7-92762000-T-C.
Other names: p.Lys1095=; c.3285A>G, p.Lys1095= (NM_001303496.3, NM_001303497.3, NM_001303498.3 and 5 more transcripts); c.3285A>G (NM_152703.2).
Identifiers: ClinVar variation 783004 (VCV000783004.46), dbSNP rs79858266, ClinGen allele CA4343472.